The following is an entry in ClinVar:

NM_005216.5(DDOST):c.313G>A (p.Gly105Ser)

Gene: DDOST (dolichyl-diphosphooligosaccharide--protein glycosyltransferase non-catalytic subunit; minus strand). Cytogenetic location: 1p36.12.
Variant type: single nucleotide variant.
Coding change: c.313G>A on transcript NM_005216.5 (MANE Select); coding-DNA position 313, G replaced by A.
Protein change: p.Gly105Ser; replaces glycine 105 with serine.
Molecular consequence: missense variant.
Genome position (GRCh38, 1-based): chr1:20,656,140, C>T on the plus strand (G>A on the coding strand, the complement: DDOST is on the minus strand). VCF-style: chr1-20656140-C-T. GRCh37 (hg19) VCF-style: chr1-20982633-C-T.
Other names: short protein forms G105S.
Identifiers: ClinVar variation 3667416 (VCV003667416.2).

ClinVar aggregate classification (germline): Uncertain significance (1 of 4 stars; one submission).

Conditions:
Congenital disorder of glycosylation type Ir (CDG1R). Also called: DDOST-congenital disorder of glycosylation. Identifiers: Orphanet 300536, MedGen C3281084, MONDO:0013789, OMIM 614507.

gnomAD v4.1: 19 of 1,614,040 alleles (0.0012%); highest among the groups gnomAD compares: African/African-American, 0.0027%; no homozygotes.

Submission:

Labcorp Genetics (formerly Invitae), Labcorp
Classification: Uncertain significance for Congenital disorder of glycosylation type Ir. Last evaluated: 2024-02-28. Review status: criteria provided, single submitter. Criteria: Invitae Variant Classification Sherloc (09022015). Collection method: clinical testing. Allele origin: germline.
Comment: This sequence change replaces glycine, which is neutral and non-polar, with serine, which is neutral and polar, at codon 122 of the DDOST protein (p.Gly122Ser). This variant is present in population databases (rs145273438, gnomAD 0.002%). This variant has not been reported in the literature in individuals affected with DDOST-related conditions. An algorithm developed to predict the effect of missense changes on protein structure and function (PolyPhen-2) suggests that this variant is likely to be tolerated. In summary, the available evidence is currently insufficient to determine the role of this variant in disease. Therefore, it has been classified as a Variant of Uncertain Significance.